The following is an entry in ClinVar:

NM_004064.5(CDKN1B):c.2T>G (p.Met1Arg)

Gene: CDKN1B (cyclin dependent kinase inhibitor 1B; plus strand). Cytogenetic location: 12p13.1.
Variant type: single nucleotide variant.
Coding change: c.2T>G on transcript NM_004064.5 (MANE Select); coding-DNA position 2, T replaced by G.
Protein change: p.Met1Arg; changes the start codon (methionine 1).
Molecular consequence: missense variant, initiator codon variant.
Genome position (GRCh38, 1-based): chr12:12,717,841, T>G. VCF-style: chr12-12717841-T-G. GRCh37 (hg19) VCF-style: chr12-12870775-T-G.
Other names: short protein forms M1R.
Identifiers: ClinVar variation 3265547 (VCV003265547.1).

ClinVar aggregate classification (germline): Uncertain significance (1 of 4 stars; one submission).

Conditions:
Hereditary cancer-predisposing syndrome. Also called: Hereditary Cancer Syndrome; Tumor predisposition; Hereditary neoplastic syndrome; Neoplastic Syndromes, Hereditary. Identifiers: Orphanet 140162, MedGen C0027672, MeSH D009386, MONDO:0015356.

Submission:

Ambry Genetics
Classification: Uncertain significance for Hereditary cancer-predisposing syndrome. Last evaluated: 2024-06-07. Review status: criteria provided, single submitter. Criteria: Ambry Variant Classification Scheme 2023. Collection method: clinical testing. Allele origin: germline.
Comment: The p.M1? variant (also known as c.2T>G) is located in coding exon 1 of the CDKN1B gene and results from a T to C substitution at nucleotide position 2. This alters the methionine residue at the initiation codon (ATG). Variations that modify the initiation codon (ATG) are expected to result in either loss of translation initiation, N-terminal truncation, or cause a shift in the mRNA reading frame; however, there is an in-frame methionine 15 amino acids from the initiation site, which may result in N-terminal truncation of unknown functional significance. Since supporting evidence is limited at this time, the clinical significance of this alteration remains unclear.